The following is an entry in ClinVar:

ClinVar aggregate classification (germline): Uncertain significance (1 of 4 stars; one submission).

Conditions:
Hereditary cancer-predisposing syndrome. Also called: Neoplastic Syndromes, Hereditary; Tumor predisposition; Hereditary neoplastic syndrome; Hereditary Cancer Syndrome. Identifiers: Orphanet 140162, MedGen C0027672, MeSH D009386, MONDO:0015356.
Cardiovascular phenotype. Identifiers: MedGen CN230736.

Submission:

Ambry Genetics
Classification: Uncertain significance for Cardiovascular phenotype; Hereditary cancer-predisposing syndrome. Last evaluated: 2019-06-14. Review status: criteria provided, single submitter. Criteria: Ambry Variant Classification Scheme 2023. Collection method: clinical testing. Allele origin: germline.
Comment: The p.F2231L variant (also known as c.6693T>G), located in coding exon 44 of the NF1 gene, results from a T to G substitution at nucleotide position 6693. The phenylalanine at codon 2231 is replaced by leucine, an amino acid with highly similar properties. This amino acid position is highly conserved in available vertebrate species. This splice prediction software does not predict a deleterious effect on splicing. In addition, the in silico prediction by BayesDel for this alteration is inconclusive. Since supporting evidence is limited at this time, the clinical significance of this alteration remains unclear.

NM_001042492.3(NF1):c.6756T>G (p.Phe2252Leu)

Gene: NF1 (neurofibromin 1; plus strand). Cytogenetic location: 17q11.2.
Variant type: single nucleotide variant.
Coding change: c.6756T>G on transcript NM_001042492.3 (MANE Select); coding-DNA position 6756, T replaced by G.
Protein change: p.Phe2252Leu; replaces phenylalanine 2252 with leucine.
Molecular consequence: missense variant.
Genome position (GRCh38, 1-based): chr17:31,338,076, T>G. VCF-style: chr17-31338076-T-G. GRCh37 (hg19) VCF-style: chr17-29665094-T-G.
Other names: c.6693T>G, p.Phe2231Leu (NM_000267.4); short protein forms F2252L, F2231L.
Identifiers: ClinVar variation 826554 (VCV000826554.4), dbSNP rs1597845056, ClinGen allele CA399014091.